The following is an entry in ClinVar:

NM_001029.5(RPS26):c.259C>T (p.Arg87Ter)

Gene: RPS26 (ribosomal protein S26; plus strand). Cytogenetic location: 12q13.2.
Variant type: single nucleotide variant.
Coding change: c.259C>T on transcript NM_001029.5 (MANE Select); coding-DNA position 259, C replaced by T.
Protein change: p.Arg87Ter; replaces arginine 87 with a stop codon.
Molecular consequence: nonsense.
Genome position (GRCh38, 1-based): chr12:56,043,440, C>T. VCF-style: chr12-56043440-C-T. GRCh37 (hg19) VCF-style: chr12-56437224-C-T.
Other names: RPS26, ARG87TER (rs148942765); c.259C>T, p.Arg87Ter (LRG_1146t1); short protein forms R87*.
Identifiers: ClinVar variation 187849 (VCV000187849.13), dbSNP rs148942765, ClinGen allele CA205000.

ClinVar aggregate classification (germline): Pathogenic. Review status: criteria provided, multiple submitters, no conflicts (2 of 4 stars). 4 submissions from 4 submitters: Pathogenic (3). 1 of the submissions does not count toward it. Last evaluated 2019-07-03.

Conditions:
Diamond-Blackfan anemia 15 with mandibulofacial dysostosis (DBA15). Identifiers: Orphanet 124, MedGen C4225411, MONDO:0011639, OMIM 606164.
Diamond-Blackfan anemia. Also called: Blackfan Diamond syndrome; Aregenerative anemia chronic congenital; Red cell aplasia, pure hereditary; Congenital hypoplastic anemia; Aase syndrome. Identifiers: Orphanet 124, MedGen C1260899, MeSH D029503, MONDO:0015253, HP:0004810.
Diamond-Blackfan anemia 10 (DBA10). Also called: RPS26-Related Diamond-Blackfan Anemia. Identifiers: Orphanet 124, MedGen C2750080, MONDO:0013217, OMIM 613309.

Submissions (4):

Labcorp Genetics (formerly Invitae), Labcorp
Classification: Pathogenic for Diamond-Blackfan anemia 10. Last evaluated: 2019-07-03. Review status: criteria provided, single submitter. Criteria: Invitae Variant Classification Sherloc (09022015). Collection method: clinical testing. Allele origin: germline.
Comment: This variant is not present in population databases (ExAC no frequency). This sequence change creates a premature translational stop signal (p.Arg87*) in the RPS26 gene. It is expected to result in an absent or disrupted protein product. This variant has been observed in an individual affected with Diamond-Blackfan anaemia (PMID: 23718193). ClinVar contains an entry for this variant (Variation ID: 187849). Loss-of-function variants in RPS26 are known to be pathogenic (PMID: 20116044, 23718193). For these reasons, this variant has been classified as Pathogenic.

Ambry Genetics
Classification: Pathogenic for Diamond-Blackfan anemia. Last evaluated: 2017-07-07. Review status: criteria provided, single submitter. Criteria: Ambry Variant Classification Scheme 2023. Collection method: clinical testing. Allele origin: germline.
Comment: The p.R87* pathogenic mutation (also known as c.259C>T), located in coding exon 3 of the RPS26 gene, results from a C to T substitution at nucleotide position 259. This changes the amino acid from an arginine to a stop codon within coding exon 3. This alteration occurs at amino acid position 87 of coding exon 3, which is the next-to-last exon of the gene, so while it is truncating, the mRNA may escape nonsense mediated decay (NMD). Premature termination codons located either in the last exon or within 50-55 nucleotides upstream of the 3'-most exon-exon junction usually fail to elicit NMD (Maquat LE. Nat. Rev. Mol. Cell Biol. 2004 Feb; 5(2):89-99). However, this mutation has been reported in multiple individuals with a clinical diagnosis of Diamond-Blackfan anemia (Gerrard G et al. Br. J. Haematol. 2013 Aug; 162(4):530-6; Chae H et al. Exp. Mol. Med. 2014 Mar; 46():e88; Gripp KW et al. Am. J. Med. Genet. A. 2014 Sep; 164A(9):2240-9). In addition to the clinical data presented in the literature, since premature stop codons are typically deleterious in nature, this alteration is interpreted as a disease-causing mutation (ACMG Recommendations for Standards for Interpretation and Reporting of Sequence Variations. Revision 2007. Genet Med. 2008;10:294).

University of Washington Center for Mendelian Genomics, University of Washington
Classification: Pathogenic for Diamond-Blackfan anemia with microtia and cleft palate. Last evaluated: 2015-05-19. Review status: criteria provided, single submitter. Criteria: Submitter's publication. Collection method: research. Allele origin: germline. Affected: yes. Observed: 3 variant alleles.

OMIM
Classification: Pathogenic for DIAMOND-BLACKFAN ANEMIA 10. Last evaluated: 2014-09-01. Review status: no assertion criteria provided. Collection method: literature only. Allele origin: germline. Not counted in ClinVar's aggregate classification.

Literature cited by the submitters: PubMed 23718193 (cited by Labcorp Genetics (formerly Invitae), Labcorp and Ambry Genetics); PubMed 20116044 (cited by Labcorp Genetics (formerly Invitae), Labcorp); PubMed 19816270 (cited by Ambry Genetics and OMIM); PubMed 24675553 (cited by Ambry Genetics); PubMed 24942156 (cited by Ambry Genetics and OMIM).